The following is an entry in ClinVar:

ClinVar aggregate classification (germline): Uncertain significance. Review status: criteria provided, multiple submitters, no conflicts (2 of 4 stars). 2 submissions from 2 submitters: Uncertain significance (2). Last evaluated 2024-07-26.

Conditions:
Cardiomyopathy (CMYO). Also called: Cardiomyopathies. Identifiers: Orphanet 167848, MedGen C0878544, MONDO:0004994, HP:0001638. Inheritance: Various modes of inheritance.
Catecholaminergic polymorphic ventricular tachycardia 1. Also called: RYR2-Related Catecholaminergic Polymorphic Ventricular Tachycardia; VENTRICULAR TACHYCARDIA, STRESS-INDUCED POLYMORPHIC 1; VENTRICULAR TACHYCARDIA, CATECHOLAMINERGIC POLYMORPHIC, 1, WITH OR WITHOUT ATRIAL DYSFUNCTION AND/OR DILATED CARDIOMYOPATHY. Identifiers: Orphanet 3286, MedGen C1631597, MONDO:0011484, OMIM 604772.

Allele frequency attached by ClinVar (database versions not stated): gnomAD exomes below 0.00001.
gnomAD v4.1: 1 of 1,613,964 alleles (0.000062%); highest among the groups gnomAD compares: Non-Finnish European, 0.000085%; no homozygotes.

Submissions (2):

Color Diagnostics, LLC DBA Color Health
Classification: Uncertain significance for Cardiomyopathy. Last evaluated: 2024-07-26. Review status: criteria provided, single submitter. Criteria: ACMG Guidelines, 2015. Collection method: clinical testing. Allele origin: germline.
Comment: This missense variant replaces isoleucine with valine at codon 3226 of the RYR2 protein. Computational prediction suggests that this variant may not impact protein structure and function (internally defined REVEL score threshold <= 0.5, PMID: 27666373). To our knowledge, functional studies have not been reported for this variant. This variant has not been reported in individuals affected with RYR2-related disorders in the literature. This variant has not been identified in the general population by the Genome Aggregation Database (gnomAD). The available evidence is insufficient to determine the role of this variant in disease conclusively. Therefore, this variant is classified as a Variant of Uncertain Significance.

Labcorp Genetics (formerly Invitae), Labcorp
Classification: Uncertain significance for Catecholaminergic polymorphic ventricular tachycardia 1. Last evaluated: 2023-04-19. Review status: criteria provided, single submitter. Criteria: Invitae Variant Classification Sherloc (09022015). Collection method: clinical testing. Allele origin: germline.
Comment: This sequence change replaces isoleucine, which is neutral and non-polar, with valine, which is neutral and non-polar, at codon 3226 of the RYR2 protein (p.Ile3226Val). This variant is not present in population databases (gnomAD no frequency). This variant has not been reported in the literature in individuals affected with RYR2-related conditions. Advanced modeling of protein sequence and biophysical properties (such as structural, functional, and spatial information, amino acid conservation, physicochemical variation, residue mobility, and thermodynamic stability) performed at Invitae indicates that this missense variant is not expected to disrupt RYR2 protein function. In summary, the available evidence is currently insufficient to determine the role of this variant in disease. Therefore, it has been classified as a Variant of Uncertain Significance.

NM_001035.3(RYR2):c.9676A>G (p.Ile3226Val)

Gene: RYR2 (ryanodine receptor 2; plus strand). Cytogenetic location: 1q43.
Variant type: single nucleotide variant.
Coding change: c.9676A>G on transcript NM_001035.3 (MANE Select); coding-DNA position 9676, A replaced by G.
Protein change: p.Ile3226Val; replaces isoleucine 3226 with valine.
Molecular consequence: missense variant.
Genome position (GRCh38, 1-based): chr1:237,707,044, A>G. VCF-style: chr1-237707044-A-G. GRCh37 (hg19) VCF-style: chr1-237870344-A-G.
Other names: short protein forms I3226V.
Identifiers: ClinVar variation 2857523 (VCV002857523.4), dbSNP rs2547401824, ClinGen allele CA345408543.